The following is an entry in ClinVar:

ClinVar aggregate classification (germline): Likely benign (0 of 4 stars; one submission).

Conditions:
PHF3-related disorder. Also called: PHF3-related condition.

Submission:

PreventionGenetics, part of Exact Sciences
Classification: Likely benign for PHF3-related condition. Last evaluated: 2019-08-27. Review status: no assertion criteria provided. Collection method: clinical testing. Allele origin: germline.
Comment: This variant is classified as likely benign based on ACMG/AMP sequence variant interpretation guidelines (Richards et al. 2015 PMID: 25741868, with internal and published modifications).

NM_001370348.2(PHF3):c.2163G>T (p.Gly721=)

Genes: PHF3 (PHD finger protein 3; plus strand), LOC129996682 (ATAC-STARR-seq lymphoblastoid active region 24722; plus strand). Cytogenetic location: 6q12.
Variant type: single nucleotide variant.
Coding change: c.2163G>T on transcript NM_001370348.2 (MANE Select); coding-DNA position 2163, G replaced by T.
Protein change: p.Gly721=; no amino-acid change (glycine 721 retained).
Molecular consequence: synonymous variant. On other transcripts: intron variant (1).
Genome position (GRCh38, 1-based): chr6:63,685,885, G>T. VCF-style: chr6-63685885-G-T. GRCh37 (hg19) VCF-style: chr6-64395786-G-T.
Other names: c.1899G>T, p.Gly633= (NM_001290259.2, NM_001370349.2); c.2163G>T, p.Gly721= (NM_001290260.2, NM_015153.4); c.-5+5724G>T (NM_001370350.2).
Identifiers: ClinVar variation 3050427 (VCV003050427.2), dbSNP rs2533219455, ClinGen allele CA450858114.